The following is an entry in ClinVar:

ClinVar aggregate classification (germline): Uncertain significance (1 of 4 stars; one submission).

Conditions:
Koolen-de Vries syndrome (KDVS). Identifiers: Orphanet 96169, MedGen C1864871, MONDO:0012496, OMIM 610443.

Allele frequency attached by ClinVar (database versions not stated): TOPMed below 0.00001; gnomAD 0.00001.
gnomAD v4.1: 1 of 1,614,146 alleles (0.000062%); highest among the groups gnomAD compares: African/African-American, 0.0013%; no homozygotes.

Submission:

Labcorp Genetics (formerly Invitae), Labcorp
Classification: Uncertain significance for Koolen-de Vries syndrome. Last evaluated: 2019-03-12. Review status: criteria provided, single submitter. Criteria: Invitae Variant Classification Sherloc (09022015). Collection method: clinical testing. Allele origin: germline.
Comment: This variant has not been reported in the literature in individuals with KANSL1-related disease. In summary, the available evidence is currently insufficient to determine the role of this variant in disease. Therefore, it has been classified as a Variant of Uncertain Significance. Algorithms developed to predict the effect of missense changes on protein structure and function do not agree on the potential impact of this missense change (SIFT: "Deleterious"; PolyPhen-2: "Possibly Damaging"; Align-GVGD: "Class C0"). This variant is not present in population databases (ExAC no frequency). This sequence change replaces leucine with isoleucine at codon 61 of the KANSL1 protein (p.Leu61Ile). The leucine residue is highly conserved and there is a small physicochemical difference between leucine and isoleucine.

NM_015443.4(KANSL1):c.181C>A (p.Leu61Ile)

Gene: KANSL1 (KAT8 regulatory NSL complex subunit 1). Cytogenetic location: 17q21.31.
Variant type: single nucleotide variant.
Coding change: c.181C>A on transcript NM_015443.4 (MANE Select); coding-DNA position 181, C replaced by A.
Protein change: p.Leu61Ile; replaces leucine 61 with isoleucine.
Molecular consequence: missense variant.
Genome position (GRCh38, 1-based): chr17:46,171,963, G>T on the plus strand (C>A on the coding strand, the complement: KANSL1 is on the minus strand). VCF-style: chr17-46171963-G-T. GRCh37 (hg19) VCF-style: chr17-44249329-G-T.
Other names: c.181C>A, p.Leu61Ile (NM_001193465.2, NM_001193466.2, NM_001379198.1); short protein forms L61I.
Identifiers: ClinVar variation 581817 (VCV000581817.10), dbSNP rs1567764831, ClinGen allele CA399982769.